The following is an entry in ClinVar:

ClinVar aggregate classification (germline): Likely benign (1 of 4 stars; one submission).

gnomAD v4.1: 15 of 1,605,186 alleles (0.00093%); highest among the groups gnomAD compares: East Asian, 0.0045%; no homozygotes.

Submission:

CeGaT Center for Human Genetics Tuebingen
Classification: Likely benign. Last evaluated: 2024-10-01. Review status: criteria provided, single submitter. Criteria: CeGaT Center For Human Genetics Tuebingen Variant Classification Criteria Version 2. Collection method: clinical testing. Allele origin: germline. Affected: yes. Observed: 1 variant allele.
Comment: ABCA13: BP4, BP7

NM_152701.5(ABCA13):c.3819C>T (p.Asn1273=)

Gene: ABCA13 (ATP binding cassette subfamily A member 13; plus strand). Cytogenetic location: 7p12.3.
Variant type: single nucleotide variant.
Coding change: c.3819C>T on transcript NM_152701.5 (MANE Select); coding-DNA position 3819, C replaced by T.
Protein change: p.Asn1273=; no amino-acid change (asparagine 1273 retained).
Molecular consequence: synonymous variant.
Genome position (GRCh38, 1-based): chr7:48,273,485, C>T. VCF-style: chr7-48273485-C-T. GRCh37 (hg19) VCF-style: chr7-48313082-C-T.
Identifiers: ClinVar variation 3389074 (VCV003389074.14).
Genomic context (GRCh38, chr7:48,273,485, plus strand): 5'-GGAGAAATCCCTTTTCACCATGGAAGCTGCCCTGCATCAGTTGAAGACATTTCCATTCAA[C>T]GAAAGTACAAGCAGAGAGTTTTTAAATTCTCTGCTTGAAGTTTTCATTGAGTTTAGCAGT-3'
Protein context (NP_689914.3, residues 1263-1283): ALHQLKTFPF[Asn1273=]ESTSREFLNS